The following is an entry in ClinVar:

ClinVar aggregate classification (germline): Likely pathogenic. Review status: no assertion criteria provided (0 of 4 stars). 2 submissions from 2 submitters: Likely pathogenic (1). 1 of the submissions does not count toward it. Last evaluated 2022-06-01.

Conditions:
Spinocerebellar ataxia type 14 (SCA14). Identifiers: Orphanet 98763, MedGen C1854369, MONDO:0011540, OMIM 605361.

Submissions (2):

Solve-RD Consortium
Classification: Likely pathogenic for Spinocerebellar ataxia type 14. Last evaluated: 2022-06-01. Review status: no assertion criteria provided. Collection method: provider interpretation. Allele origin: inherited. Affected: yes.
Comment: Variant confirmed as disease-causing by referring clinical team

Variant identified during reanalysis of unsolved cases by the Solve-RD project. The Solve-RD project has received funding from the European Union’s Horizon 2020 research and innovation programme under grant agreement No 779257.

GeneReviews
No classification provided. Condition: Spinocerebellar ataxia type 14. Review status: no classification provided. Collection method: literature only. Allele origin: germline. Not counted in ClinVar's aggregate classification.

Literature cited by the submitters: PubMed 39825153 (cited by Solve-RD Consortium); NCBI Bookshelf NBK1399 (cited by GeneReviews); PubMed 20301573 (cited by GeneReviews).

NM_002739.5(PRKCG):c.302A>G (p.His101Arg)

Gene: PRKCG (protein kinase C gamma; plus strand). Cytogenetic location: 19q13.42.
Variant type: single nucleotide variant.
Coding change: c.302A>G on transcript NM_002739.5 (MANE Select); coding-DNA position 302, A replaced by G.
Protein change: p.His101Arg; replaces histidine 101 with arginine.
Molecular consequence: missense variant.
Genome position (GRCh38, 1-based): chr19:53,889,654, A>G. VCF-style: chr19-53889654-A-G. GRCh37 (hg19) VCF-style: chr19-54392908-A-G.
Other names: c.302A>G, p.His101Arg (NM_001316329.2); short protein forms H101R.
Identifiers: ClinVar variation 918174 (VCV000918174.3), dbSNP rs2068656783, ClinGen allele CA407414110.
Genomic context (GRCh38, chr19:53,889,654, plus strand): 5'-AGGACCCTCCCAACGCCCCCTAAGCCAGTCTTCTCTGCCCCCAGGACCCCCGGAACAAAC[A>G]CAAGTTCCGCCTGCATAGCTACAGCAGCCCCACCTTCTGCGACCACTGTGGCTCCCTCCT-3'
Protein context (NP_002730.1, residues 91-111): GPQTDDPRNK[His101Arg]KFRLHSYSSP